The following is an entry in ClinVar:

NM_000760.4(CSF3R):c.14G>C (p.Gly5Ala)

Gene: CSF3R (colony stimulating factor 3 receptor; minus strand). Cytogenetic location: 1p34.3.
Variant type: single nucleotide variant.
Coding change: c.14G>C on transcript NM_000760.4 (MANE Select); coding-DNA position 14, G replaced by C.
Protein change: p.Gly5Ala; replaces glycine 5 with alanine.
Molecular consequence: missense variant.
Genome position (GRCh38, 1-based): chr1:36,479,483, C>G on the plus strand (G>C on the coding strand, the complement: CSF3R is on the minus strand). VCF-style: chr1-36479483-C-G. GRCh37 (hg19) VCF-style: chr1-36945084-C-G.
Other names: c.14G>C, p.Gly5Ala (NM_156039.3, NM_172313.3); short protein forms G5A.
Identifiers: ClinVar variation 1986250 (VCV001986250.4), dbSNP rs528738573, ClinGen allele CA769602.
Genomic context (GRCh38, chr1:36,479,483, plus strand): 5'-CCATACTCACTTCCGGGGAGCAGCAGGATGATCAGGGCAGCCCAAGTCAGGCTGCAGTTT[C>G]CCAGCCTTGCCATAGCACCAACTTGATGTTCACCTGTAGGCAGAAGGGTTGTTTAAGACC-3'
Protein context (NP_000751.1, residues 1-15): MARL[Gly5Ala]NCSLTWAALI

ClinVar aggregate classification (germline): Uncertain significance (1 of 4 stars; one submission).

Conditions:
Autosomal recessive severe congenital neutropenia due to CSF3R deficiency. Also called: Neutropenia, severe congenital, 7, autosomal recessive. Identifiers: Orphanet 420702, MedGen C4310764, MONDO:0014865, OMIM 617014.

Allele frequency attached by ClinVar (database versions not stated): ExAC 0.00002; TOPMed 0.00002; 1000 Genomes Project 30x 0.00016; 1000 Genomes Project 0.00020.
gnomAD v4.1: 7 of 1,614,196 alleles (0.00043%); highest among the groups gnomAD compares: Middle Eastern, 0.016%; no homozygotes.

Submission:

Labcorp Genetics (formerly Invitae), Labcorp
Classification: Uncertain significance for Autosomal recessive severe congenital neutropenia due to CSF3R deficiency. Last evaluated: 2023-08-17. Review status: criteria provided, single submitter. Criteria: Invitae Variant Classification Sherloc (09022015). Collection method: clinical testing. Allele origin: germline.
Comment: In summary, the available evidence is currently insufficient to determine the role of this variant in disease. Therefore, it has been classified as a Variant of Uncertain Significance. An algorithm developed to predict the effect of missense changes on protein structure and function (PolyPhen-2) suggests that this variant is likely to be tolerated. ClinVar contains an entry for this variant (Variation ID: 1986250). This variant has not been reported in the literature in individuals affected with CSF3R-related conditions. This variant is present in population databases (rs528738573, gnomAD 0.02%). This sequence change replaces glycine, which is neutral and non-polar, with alanine, which is neutral and non-polar, at codon 5 of the CSF3R protein (p.Gly5Ala).